The following is an entry in ClinVar:

NM_182914.3(SYNE2):c.16094G>A (p.Arg5365Lys)

Gene: SYNE2 (spectrin repeat containing nuclear envelope protein 2; plus strand). Cytogenetic location: 14q23.2.
Variant type: single nucleotide variant.
Coding change: c.16094G>A on transcript NM_182914.3 (MANE Select); coding-DNA position 16094, G replaced by A.
Protein change: p.Arg5365Lys; replaces arginine 5365 with lysine.
Molecular consequence: missense variant.
Genome position (GRCh38, 1-based): chr14:64,159,442, G>A. VCF-style: chr14-64159442-G-A. GRCh37 (hg19) VCF-style: chr14-64626160-G-A.
Other names: c.16094G>A, p.Arg5365Lys (NM_015180.6); short protein forms R5365K.
Identifiers: ClinVar variation 1037608 (VCV001037608.8), dbSNP rs1007733286, ClinGen allele CA261825633.

ClinVar aggregate classification (germline): Uncertain significance (1 of 4 stars; one submission).

Conditions:
Emery-Dreifuss muscular dystrophy 5, autosomal dominant (EDMD5). Also called: EMERY-DREIFUSS MUSCULAR DYSTROPHY 5. Identifiers: Orphanet 261, MedGen C2751805, MONDO:0013072, OMIM 612999.

Allele frequency attached by ClinVar (database versions not stated): gnomAD exomes below 0.00001; TOPMed 0.00001; gnomAD 0.00002.
gnomAD v4.1: 8 of 1,613,278 alleles (0.0005%); highest among the groups gnomAD compares: Middle Eastern, 0.016%; no homozygotes.

Submission:

Labcorp Genetics (formerly Invitae), Labcorp
Classification: Uncertain significance for Emery-Dreifuss muscular dystrophy 5, autosomal dominant. Last evaluated: 2020-06-21. Review status: criteria provided, single submitter. Criteria: Invitae Variant Classification Sherloc (09022015). Collection method: clinical testing. Allele origin: germline.
Comment: This variant is not present in population databases (ExAC no frequency). This sequence change replaces arginine with lysine at codon 5365 of the SYNE2 protein (p.Arg5365Lys). The arginine residue is moderately conserved and there is a small physicochemical difference between arginine and lysine. This variant has not been reported in the literature in individuals with SYNE2-related conditions. In summary, the available evidence is currently insufficient to determine the role of this variant in disease. Therefore, it has been classified as a Variant of Uncertain Significance. Algorithms developed to predict the effect of sequence changes on RNA splicing suggest that this variant may disrupt the consensus splice site, but this prediction has not been confirmed by published transcriptional studies. Algorithms developed to predict the effect of missense changes on protein structure and function are either unavailable or do not agree on the potential impact of this missense change (SIFT: "Tolerated"; PolyPhen-2: "Probably Damaging"; Align-GVGD: "Class C0").